The following is an entry in ClinVar:

NM_001048174.2(MUTYH):c.631G>A (p.Val211Ile)

Gene: MUTYH (mutY DNA glycosylase; minus strand). Cytogenetic location: 1p34.1.
Variant type: single nucleotide variant.
Coding change: c.631G>A on transcript NM_001048174.2 (MANE Select); coding-DNA position 631, G replaced by A.
Protein change: p.Val211Ile; replaces valine 211 with isoleucine.
Molecular consequence: missense variant. On other transcripts: non-coding transcript variant (2).
Genome position (GRCh38, 1-based): chr1:45,332,464, C>T on the plus strand (G>A on the coding strand, the complement: MUTYH is on the minus strand). VCF-style: chr1-45332464-C-T. GRCh37 (hg19) VCF-style: chr1-45798136-C-T.
Other names: p.Val239Ile; c.631G>A, p.Val211Ile (NM_001048171.2, NM_001048173.2, NM_001293195.2); c.634G>A, p.Val212Ile (NM_001048172.2); c.715G>A, p.Val239Ile (NM_001128425.2); c.676G>A, p.Val226Ile (NM_001293190.2); c.664G>A, p.Val222Ile (NM_001293191.2); c.355G>A, p.Val119Ile (NM_001293192.2, NM_001293196.2); c.286G>A, p.Val96Ile (NM_001350650.2, NM_001350651.2); and 1 more; short protein forms V239I, V225I, V211I, V226I, V222I, V96I, V119I, V212I.
Identifiers: ClinVar variation 187628 (VCV000187628.46), dbSNP rs759295912, ClinGen allele CA014175.

ClinVar aggregate classification (germline): Conflicting classifications of pathogenicity. Review status: criteria provided, conflicting classifications (1 of 4 stars). 10 submissions from 10 submitters: Uncertain significance (8); Likely benign (1). 1 of the submissions does not count toward it. Last evaluated 2025-11-24.

Conditions:
Hereditary cancer-predisposing syndrome. Also called: Neoplastic Syndromes, Hereditary; Tumor predisposition; Hereditary Cancer Syndrome; Hereditary neoplastic syndrome. Identifiers: Orphanet 140162, MedGen C0027672, MeSH D009386, MONDO:0015356.
Familial adenomatous polyposis 2. Also called: Adenomas, multiple colorectal; COLORECTAL ADENOMATOUS POLYPOSIS, AUTOSOMAL RECESSIVE; ADENOMAS, MULTIPLE COLORECTAL, AUTOSOMAL RECESSIVE; MYH-associated polyposis; MUTYH Polyposis; FAP type 2. Identifiers: Orphanet 220460, Orphanet 247798, MedGen C3272841, MONDO:0012041, OMIM 608456.

Allele frequency attached by ClinVar (database versions not stated): gnomAD exomes 0.00001 and 0.00003; gnomAD 0.00003 and 0.00004; TOPMed 0.00003; ExAC 0.00006.
gnomAD v4.1: 19 of 1,614,012 alleles (0.0012%); highest among the groups gnomAD compares: Middle Eastern, 0.016%; no homozygotes.

Submissions (10):

Labcorp Genetics (formerly Invitae), Labcorp
Classification: Uncertain significance for Familial adenomatous polyposis 2. Last evaluated: 2025-11-24. Review status: criteria provided, single submitter. Criteria: Invitae Variant Classification Sherloc (09022015). Collection method: clinical testing. Allele origin: germline.
Comment: This sequence change replaces valine, which is neutral and non-polar, with isoleucine, which is neutral and non-polar, at codon 239 of the MUTYH protein (p.Val239Ile). This variant is present in population databases (rs759295912, gnomAD 0.02%). This missense change has been observed in individual(s) with breast and/or ovarian cancer (PMID: 28961279, 32068069). This variant is also known as p.Val225Ile. ClinVar contains an entry for this variant (Variation ID: 187628). An algorithm developed to predict the effect of missense changes on protein structure and function (PolyPhen-2) suggests that this variant is likely to be tolerated. In summary, the available evidence is currently insufficient to determine the role of this variant in disease. Therefore, it has been classified as a Variant of Uncertain Significance.

Ambry Genetics
Classification: Likely benign for Hereditary cancer-predisposing syndrome. Last evaluated: 2025-09-09. Review status: criteria provided, single submitter. Criteria: Ambry Variant Classification Scheme 2023. Collection method: clinical testing. Allele origin: germline.

All of Us Research Program, National Institutes of Health
Classification: Uncertain significance for Familial adenomatous polyposis 2. Last evaluated: 2023-12-13. Review status: criteria provided, single submitter. Criteria: ACMG Guidelines, 2015. Collection method: clinical testing. Allele origin: germline. Inheritance: Autosomal recessive inheritance. Observed: 4 variant alleles, 4 heterozygotes.
Comment: This missense variant replaces valine with isoleucine at codon 239 of the MUTYH protein. Computational prediction suggests that this variant may not impact protein structure and function (internally defined REVEL score threshold <= 0.5, PMID: 27666373). To our knowledge, functional studies have not been reported for this variant. This variant has been reported in individuals affected with breast cancer (PMID: 28961279, 32068069). This variant has been identified in 8/281912 chromosomes in the general population by the Genome Aggregation Database (gnomAD). The available evidence is insufficient to determine the role of this variant in disease conclusively. Therefore, this variant is classified as a Variant of Uncertain Significance.

This study involves interpretation of variants in research participants for the purpose of population health screening. Participant phenotype was not available at the time of variant classification. Additional details can be found in publication PMID: 35346344, PMCID: PMC8962531

Baylor Genetics
Classification: Uncertain significance for Familial adenomatous polyposis 2. Last evaluated: 2023-10-15. Review status: criteria provided, single submitter. Criteria: ACMG Guidelines, 2015. Collection method: clinical testing. Allele origin: unknown.

Color Diagnostics, LLC DBA Color Health
Classification: Uncertain significance for Hereditary cancer-predisposing syndrome. Last evaluated: 2023-06-20. Review status: criteria provided, single submitter. Criteria: ACMG Guidelines, 2015. Collection method: clinical testing. Allele origin: germline.
Comment: This missense variant replaces valine with isoleucine at codon 239 of the MUTYH protein. Computational prediction suggests that this variant may not impact protein structure and function (internally defined REVEL score threshold <= 0.5, PMID: 27666373). To our knowledge, functional studies have not been reported for this variant. This variant has been reported in individuals affected with breast cancer (PMID: 28961279, 32068069). This variant has been identified in 8/281912 chromosomes in the general population by the Genome Aggregation Database (gnomAD). The available evidence is insufficient to determine the role of this variant in disease conclusively. Therefore, this variant is classified as a Variant of Uncertain Significance.

Women's Health and Genetics/Laboratory Corporation of America, LabCorp
Classification: Uncertain significance. Last evaluated: 2023-03-17. Review status: criteria provided, single submitter. Criteria: LabCorp Variant Classification Summary - May 2015. Collection method: clinical testing. Allele origin: germline.
Comment: Variant summary: MUTYH c.715G>A (p.Val239Ile) results in a conservative amino acid change located in the HhH-GPD domain (IPR003265) of the encoded protein sequence. Four of five in-silico tools predict a damaging effect of the variant on protein function. The variant allele was found at a frequency of 2.8e-05 in 250556 control chromosomes (gnomAD). The available data on variant occurrences in the general population are insufficient to allow any conclusion about variant significance. c.715G>A has been reported in the literature in individuals affected with breast cancer or pancreatic cancer (Sung_2017, Kwong_2020, Zhu_2021). These reports do not provide unequivocal conclusions about association of the variant with MUTYH-Associated Polyposis. To our knowledge, no experimental evidence demonstrating an impact on protein function has been reported. Seven ClinVar submitters (evaluation after 2014) cite this variant as uncertain significance. Based on the evidence outlined above, the variant was classified as uncertain significance.

Mayo Clinic Laboratories, Mayo Clinic
Classification: Uncertain significance. Last evaluated: 2021-12-30. Review status: criteria provided, single submitter. Criteria: ACMG Guidelines, 2015. Collection method: clinical testing. Allele origin: germline.

GeneDx
Classification: Uncertain significance. Last evaluated: 2021-10-07. Review status: criteria provided, single submitter. Criteria: GeneDx Variant Classification Process June 2021. Collection method: clinical testing. Allele origin: germline. Affected: yes.
Comment: In silico analysis supports that this missense variant does not alter protein structure/function; Observed in individuals with breast cancer (Sung 2017); Also reported as p.(Val225Ile); This variant is associated with the following publications: (PMID: 11801590, 23108399, 28961279)

Mendelics
Classification: Uncertain significance for Familial adenomatous polyposis 2. Last evaluated: 2019-05-28. Review status: criteria provided, single submitter. Criteria: Mendelics Assertion Criteria 2017. Collection method: clinical testing. Allele origin: unknown.

Counsyl
Classification: Uncertain significance for Familial adenomatous polyposis 2. Last evaluated: 2016-04-13. Review status: no assertion criteria provided. Collection method: clinical testing. Allele origin: unknown. Not counted in ClinVar's aggregate classification.

Literature cited by the submitters: PubMed 28961279 (cited by 5 submitters); PubMed 32068069 (cited by 4 submitters); PubMed 29684080 (cited by Ambry Genetics); PubMed 40738107 (cited by Ambry Genetics); PubMed 33939675 (cited by Women's Health and Genetics/Laboratory Corporation of America, LabCorp); PubMed 30666091 (cited by Women's Health and Genetics/Laboratory Corporation of America, LabCorp).